The following is an entry in ClinVar:

NC_012920.1(MT-ND4):m.12031C>A

Gene: MT-ND4 (mitochondrially encoded NADH dehydrogenase 4; plus strand).
Variant type: single nucleotide variant.
Genome position: chrM-12031-C-A.
Identifiers: ClinVar variation 693403 (VCV000693403.1), dbSNP rs1603223519, ClinGen allele CA414812174.

ClinVar aggregate classification (germline): Uncertain significance (1 of 4 stars; one submission).

Conditions:
Leigh syndrome (NULS). Also called: Leigh's necrotizing encephalopathy; Leigh's disease; Leigh Syndrome (mtDNA deletion); Leigh Disease; Subacute necrotizing encephalopathy; Necrotizing encephalopathy infantile subacute of Leigh. Identifiers: Orphanet 506, MedGen C2931891, MONDO:0009723, OMIM 256000.

Submission:

Wong Mito Lab, Molecular and Human Genetics, Baylor College of Medicine
Classification: Uncertain significance for Leigh syndrome. Last evaluated: 2019-10-17. Review status: criteria provided, single submitter. Criteria: Modified ACMG Guidelines (Unpublished). Collection method: clinical testing. Allele origin: germline.
Comment: The NC_012920.1:m.12031C>A (YP_003024035.1:p.Asn424Lys) variant in MTND4 gene is interpretated to be a Uncertain Significance variant based on the modified ACMG guidelines (unpublished). This variant meets the following evidence codes: BP4